The following is an entry in ClinVar:

NM_017654.4(SAMD9):c.4151A>G (p.Glu1384Gly)

Gene: SAMD9 (sterile alpha motif domain containing 9; minus strand). Cytogenetic location: 7q21.2.
Variant type: single nucleotide variant.
Coding change: c.4151A>G on transcript NM_017654.4 (MANE Select); coding-DNA position 4151, A replaced by G.
Protein change: p.Glu1384Gly; replaces glutamic acid 1384 with glycine.
Molecular consequence: missense variant.
Genome position (GRCh38, 1-based): chr7:93,101,947, T>C on the plus strand (A>G on the coding strand, the complement: SAMD9 is on the minus strand). VCF-style: chr7-93101947-T-C. GRCh37 (hg19) VCF-style: chr7-92731260-T-C.
Other names: c.4151A>G, p.Glu1384Gly (NM_001193307.2); short protein forms E1384G.
Identifiers: ClinVar variation 4843127 (VCV004843127.1).

ClinVar aggregate classification (germline): Uncertain significance (1 of 4 stars; one submission).

Conditions:
Inborn genetic diseases. Identifiers: MedGen C0950123, MeSH D030342.

Submission:

Ambry Genetics
Classification: Uncertain significance for Inborn genetic diseases. Last evaluated: 2025-12-30. Review status: criteria provided, single submitter. Criteria: Ambry Variant Classification Scheme 2023. Collection method: clinical testing. Allele origin: germline.
Comment: The p.E1384G variant (also known as c.4151A>G), located in coding exon 1 of the SAMD9 gene, results from an A to G substitution at nucleotide position 4151. The glutamic acid at codon 1384 is replaced by glycine, an amino acid with similar properties. This amino acid position is conserved. In addition, this alteration is predicted to be tolerated by in silico analysis. Based on the available evidence, the clinical significance of this variant remains unclear.